The following is an entry in ClinVar:

NM_004304.5(ALK):c.4148T>C (p.Ile1383Thr)

Gene: ALK (ALK receptor tyrosine kinase; minus strand). Cytogenetic location: 2p23.2.
Variant type: single nucleotide variant.
Coding change: c.4148T>C on transcript NM_004304.5 (MANE Select); coding-DNA position 4148, T replaced by C.
Protein change: p.Ile1383Thr; replaces isoleucine 1383 with threonine.
Molecular consequence: missense variant.
Genome position (GRCh38, 1-based): chr2:29,196,786, A>G on the plus strand (T>C on the coding strand, the complement: ALK is on the minus strand). VCF-style: chr2-29196786-A-G. GRCh37 (hg19) VCF-style: chr2-29419652-A-G.
Other names: c.944T>C, p.Ile315Thr (NM_001353765.2); short protein forms I1383T, I315T.
Identifiers: ClinVar variation 575890 (VCV000575890.9), dbSNP rs1558606063, ClinGen allele CA346464882.

ClinVar aggregate classification (germline): Uncertain significance. Review status: criteria provided, multiple submitters, no conflicts (2 of 4 stars). 2 submissions from 2 submitters: Uncertain significance (2). Last evaluated 2025-03-04.

Conditions:
Neuroblastoma, susceptibility to, 3. Also called: ALK-Related Neuroblastic Tumor Susceptibility. Identifiers: Orphanet 635, MedGen C2751681, MONDO:0013083, OMIM 613014.
Hereditary cancer-predisposing syndrome. Also called: Hereditary neoplastic syndrome; Tumor predisposition; Hereditary Cancer Syndrome; Neoplastic Syndromes, Hereditary. Identifiers: Orphanet 140162, MedGen C0027672, MeSH D009386, MONDO:0015356.

Allele frequency attached by ClinVar (database versions not stated): TOPMed below 0.00001; gnomAD 0.00001; gnomAD exomes 0.00001.

Submissions (2):

Ambry Genetics
Classification: Uncertain significance for Hereditary cancer-predisposing syndrome. Last evaluated: 2025-03-04. Review status: criteria provided, single submitter. Criteria: Ambry Variant Classification Scheme 2023. Collection method: clinical testing. Allele origin: germline.
Comment: The p.I1383T variant (also known as c.4148T>C), located in coding exon 28 of the ALK gene, results from a T to C substitution at nucleotide position 4148. The isoleucine at codon 1383 is replaced by threonine, an amino acid with similar properties. This amino acid position is conserved. In addition, this alteration is predicted to be deleterious by in silico analysis. Since supporting evidence is limited at this time, the clinical significance of this alteration remains unclear.

Labcorp Genetics (formerly Invitae), Labcorp
Classification: Uncertain significance for Neuroblastoma, susceptibility to, 3. Last evaluated: 2024-11-19. Review status: criteria provided, single submitter. Criteria: Invitae Variant Classification Sherloc (09022015). Collection method: clinical testing. Allele origin: germline.
Comment: This sequence change replaces isoleucine, which is neutral and non-polar, with threonine, which is neutral and polar, at codon 1383 of the ALK protein (p.Ile1383Thr). This variant is not present in population databases (gnomAD no frequency). This variant has not been reported in the literature in individuals affected with ALK-related conditions. ClinVar contains an entry for this variant (Variation ID: 575890). An algorithm developed to predict the effect of missense changes on protein structure and function (PolyPhen-2) suggests that this variant is likely to be disruptive. In summary, the available evidence is currently insufficient to determine the role of this variant in disease. Therefore, it has been classified as a Variant of Uncertain Significance.